The following is an entry in ClinVar:

ClinVar aggregate classification (germline): Uncertain significance (1 of 4 stars; one submission).

Conditions:
Duchenne muscular dystrophy (DMD). Also called: Duchenne Muscular Dystrophy (DMD); MUSCULAR DYSTROPHY, PSEUDOHYPERTROPHIC PROGRESSIVE, DUCHENNE TYPE. Identifiers: Orphanet 98896, MedGen C0013264, MONDO:0010679, OMIM 310200.

Submission:

Labcorp Genetics (formerly Invitae), Labcorp
Classification: Uncertain significance for Duchenne muscular dystrophy. Last evaluated: 2025-08-23. Review status: criteria provided, single submitter. Criteria: Invitae Variant Classification Sherloc (09022015). Collection method: clinical testing. Allele origin: germline.
Comment: This sequence change replaces serine, which is neutral and polar, with phenylalanine, which is neutral and non-polar, at codon 718 of the DMD protein (p.Ser718Phe). This variant is not present in population databases (gnomAD no frequency). This variant has not been reported in the literature in individuals affected with DMD-related conditions. Invitae Evidence Modeling of protein sequence and biophysical properties (such as structural, functional, and spatial information, amino acid conservation, physicochemical variation, residue mobility, and thermodynamic stability) indicates that this missense variant is not expected to disrupt DMD protein function with a negative predictive value of 95%. In summary, the available evidence is currently insufficient to determine the role of this variant in disease. Therefore, it has been classified as a Variant of Uncertain Significance.

NM_004006.3(DMD):c.2153C>T (p.Ser718Phe)

Gene: DMD (dystrophin; minus strand). Cytogenetic location: Xp21.1.
Variant type: single nucleotide variant.
Coding change: c.2153C>T on transcript NM_004006.3 (MANE Select); coding-DNA position 2153, C replaced by T.
Protein change: p.Ser718Phe; replaces serine 718 with phenylalanine.
Molecular consequence: missense variant.
Genome position (GRCh38, 1-based): chrX:32,545,174, G>A on the plus strand (C>T on the coding strand, the complement: DMD is on the minus strand). VCF-style: chrX-32545174-G-A. GRCh37 (hg19) VCF-style: chrX-32563291-G-A.
Other names: c.2129C>T, p.Ser710Phe (NM_000109.4); c.2141C>T, p.Ser714Phe (NM_004009.3); c.1784C>T, p.Ser595Phe (NM_004010.3); short protein forms S595F, S710F, S714F, S718F.
Identifiers: ClinVar variation 4805856 (VCV004805856.1).